The following is an entry in ClinVar:

ClinVar aggregate classification (germline): Uncertain significance (1 of 4 stars; one submission).

Submission:

GeneDx
Classification: Uncertain significance. Last evaluated: 2025-03-06. Review status: criteria provided, single submitter. Criteria: GeneDx Variant Classification Process June 2021. Collection method: clinical testing. Allele origin: germline. Affected: yes.
Comment: In silico analysis supports that this missense variant has a deleterious effect on protein structure/function; Has not been previously published as pathogenic or benign to our knowledge

NM_000287.4(PEX6):c.839A>C (p.Asn280Thr)

Gene: PEX6 (peroxisomal biogenesis factor 6; minus strand). Cytogenetic location: 6p21.1.
Variant type: single nucleotide variant.
Coding change: c.839A>C on transcript NM_000287.4 (MANE Select); coding-DNA position 839, A replaced by C.
Protein change: p.Asn280Thr; replaces asparagine 280 with threonine.
Molecular consequence: missense variant. On other transcripts: non-coding transcript variant (1), intron variant (1).
Genome position (GRCh38, 1-based): chr6:42,978,312, T>G on the plus strand (A>C on the coding strand, the complement: PEX6 is on the minus strand). VCF-style: chr6-42978312-T-G. GRCh37 (hg19) VCF-style: chr6-42946050-T-G.
Other names: c.618+221A>C (NM_001316313.2); short protein forms N280T.
Identifiers: ClinVar variation 4082584 (VCV004082584.1).